The following is an entry in ClinVar:

ClinVar aggregate classification (germline): Uncertain significance (1 of 4 stars; one submission).

Conditions:
Dyskeratosis congenita, autosomal recessive 6 (DKCB6). Identifiers: MedGen C4225356, MONDO:0014600, OMIM 616353.
Pulmonary fibrosis and/or bone marrow failure, Telomere-related, 4. Also called: PULMONARY FIBROSIS AND/OR BONE MARROW FAILURE SYNDROME, TELOMERE-RELATED, 4. Identifiers: Orphanet 2032, MedGen C4225347, MONDO:0014612, OMIM 616371.

Submission:

Labcorp Genetics (formerly Invitae), Labcorp
Classification: Uncertain significance for Dyskeratosis congenita, autosomal recessive 6; Pulmonary fibrosis and/or bone marrow failure, Telomere-related, 4. Last evaluated: 2022-08-09. Review status: criteria provided, single submitter. Criteria: Invitae Variant Classification Sherloc (09022015). Collection method: clinical testing. Allele origin: germline.
Comment: Experimental studies and prediction algorithms are not available or were not evaluated, and the functional significance of this variant is currently unknown. In summary, the available evidence is currently insufficient to determine the role of this variant in disease. Therefore, it has been classified as a Variant of Uncertain Significance. ClinVar contains an entry for this variant (Variation ID: 959433). This variant has not been reported in the literature in individuals affected with PARN-related conditions. This variant is not present in population databases (gnomAD no frequency). This variant, c.1846_1848dup, results in the insertion of 1 amino acid(s) of the PARN protein (p.Lys616dup), but otherwise preserves the integrity of the reading frame.

NM_002582.4(PARN):c.1843AAG[3] (p.Lys616dup)

Gene: PARN (poly(A)-specific ribonuclease; minus strand). Cytogenetic location: 16p13.12.
Variant type: Microsatellite.
Coding change: c.1843AAG[3] on transcript NM_002582.4 (MANE Select); three copies in a row of the 3-base unit AAG starting at c.1843; the reference has two copies in a row; one copy, 3 bases duplicated.
Protein change: p.Lys616dup; duplicates lysine 616.
Molecular consequence: inframe insertion.
Genome position (GRCh38, 1-based): chr16:14,446,904-14,446,906, CTT duplicated on the plus strand (AAG on the coding strand, the reverse complement: PARN is on the minus strand); duplicating any 3 consecutive bases within chr16:14,446,904-14,446,910 gives the same sequence; the position shown is the placement nearest the transcript's 3' end. VCF-style (leftmost placement, unchanged base first): chr16-14446903-C-CCTT. GRCh37 (hg19) VCF-style: chr16-14540760-C-CCTT.
Other names: c.1660AAG[3], p.Lys555dup (NM_001134477.3); c.1705AAG[3], p.Lys570dup (NM_001242992.2).
Identifiers: ClinVar variation 959433 (VCV000959433.10), dbSNP rs1961223739, ClinGen allele CA2209314026.
Genomic context (GRCh38, chr16:14,446,903, plus strand): 5'-TAAATAGTCCACGGCCCCAGAACTTCGGCAAGATCCAATACAAACCTGCTGGAGAAAGCT[C>CCTT]CTTCTTCATTCTTTTTAATTTCTTGGCCTTTTTCCTTCCCTCTGAGAGGGGCTCTGCACA-3'